The following is an entry in ClinVar:

ClinVar aggregate classification (germline): Pathogenic/Likely pathogenic. Review status: criteria provided, multiple submitters, no conflicts (2 of 4 stars). 4 submissions from 3 submitters: Pathogenic (1); Likely pathogenic (1). 2 of the submissions do not count toward it. Last evaluated 2022-05-04.

Conditions:
Infantile convulsions and choreoathetosis (ICCA). Also called: PAROXYSMAL KINESIGENIC DYSKINESIA WITH INFANTILE CONVULSIONS; PRRT2-Related Paroxysmal Kinesigenic Dyskinesia with Infantile Convulsions (PKD/IC). Identifiers: Orphanet 31709, MedGen C1865926, MONDO:0011178, OMIM 602066.
Episodic kinesigenic dyskinesia 1 (EKD1). Also called: PRRT2-Related Paroxysmal Kinesigenic Dyskinesia (PKD); PxMD-PRRT2; Dystonia 10; DYSTONIA, FAMILIAL PAROXYSMAL; PAROXYSMAL KINESIGENIC CHOREOATHETOSIS. Identifiers: Orphanet 98809, MedGen C4552000, MONDO:0100352, OMIM 128200, MONDO:0007494.
Seizures, benign familial infantile, 2 (BFIS2). Also called: CONVULSIONS, BENIGN FAMILIAL INFANTILE, 2. Identifiers: Orphanet 306, MedGen C1853995, MONDO:0011593, OMIM 605751.

Allele frequency attached by ClinVar (database versions not stated): gnomAD exomes below 0.00001; ExAC 0.00001.

Submissions (4):

Mendelics
Classification: Pathogenic for Episodic kinesigenic dyskinesia 1. Last evaluated: 2022-05-04. Review status: criteria provided, single submitter. Criteria: Mendelics Assertion Criteria 2019. Collection method: clinical testing. Allele origin: germline.

Juno Genomics, Hangzhou Juno Genomics, Inc
Classification: Likely pathogenic for Infantile convulsions and choreoathetosis; Episodic kinesigenic dyskinesia 1; Seizures, benign familial infantile, 2. Review status: criteria provided, single submitter. Criteria: ACMG Guidelines, 2015. Collection method: clinical testing. Allele origin: germline.
Comment: Absent from controls (or at extremely low frequency if recessive) in Genome Aggregation Database.;Null variant in a gene where loss of function (LOF) is a known mechanism of disease.

OMIM
Classification: Pathogenic for EPISODIC KINESIGENIC DYSKINESIA 1. Last evaluated: 2012-05-01. Review status: no assertion criteria provided. Collection method: literature only. Allele origin: germline. Not counted in ClinVar's aggregate classification.

OMIM
Classification: Pathogenic for SEIZURES, BENIGN FAMILIAL INFANTILE, 2. Last evaluated: 2012-05-01. Review status: no assertion criteria provided. Collection method: literature only. Allele origin: germline. Not counted in ClinVar's aggregate classification.

Literature cited by the submitters: PubMed 22399141 (cited by OMIM).

NM_145239.3(PRRT2):c.748C>T (p.Gln250Ter)

Genes: MVP-DT (MVP divergent transcript; minus strand), PRRT2 (proline rich transmembrane protein 2; plus strand). Cytogenetic location: 16p11.2.
Variant type: single nucleotide variant.
Coding change: c.748C>T on transcript NM_145239.3 (MANE Select); coding-DNA position 748, C replaced by T.
Protein change: p.Gln250Ter; replaces glutamine 250 with a stop codon.
Molecular consequence: nonsense.
Genome position (GRCh38, 1-based): chr16:29,813,802, C>T. VCF-style: chr16-29813802-C-T. GRCh37 (hg19) VCF-style: chr16-29825123-C-T.
Other names: c.748C>T, p.Gln250Ter (NM_001256442.2, NM_001256443.2); short protein forms Q250*.
Identifiers: ClinVar variation 39756 (VCV000039756.7), dbSNP rs397514579, ClinGen allele CA130523.
Genomic context (GRCh38, chr16:29,813,802, plus strand): 5'-AGGGCACACAGTGGGCATCCAGGATCTCCCCGAGGTAGCCTGAGCCGCCACCCCAGCTCC[C>T]AGTTGGCAGGTCCTGGGGTGGAGGGGGGTGAAGGCACCCAGAAACCTCGGGACTACATCA-3'